The following is an entry in ClinVar:

ClinVar aggregate classification (germline): Uncertain significance. Review status: criteria provided, multiple submitters, no conflicts (2 of 4 stars). 3 submissions from 3 submitters: Uncertain significance (3). Last evaluated 2024-04-03.

Conditions:
Hereditary cancer-predisposing syndrome. Also called: Hereditary Cancer Syndrome; Tumor predisposition; Neoplastic Syndromes, Hereditary; Hereditary neoplastic syndrome. Identifiers: Orphanet 140162, MedGen C0027672, MeSH D009386, MONDO:0015356.
Ataxia-telangiectasia syndrome (AT). Also called: ATAXIA-TELANGIECTASIA, COMPLEMENTATION GROUP A; ATAXIA-TELANGIECTASIA, FRESNO VARIANT; Ataxia-telangiectasia; Ataxia-telangiectasia, complementation group E; Cerebello-oculocutaneous telangiectasia; Immunodeficiency with ataxia telangiectasia. Identifiers: Orphanet 100, MedGen C0004135, MONDO:0008840, OMIM 208900.

Allele frequency attached by ClinVar (database versions not stated): gnomAD 0.00001; TOPMed below 0.00001.
gnomAD v4.1: 1 of 1,614,066 alleles (0.000062%); highest among the groups gnomAD compares: African/African-American, 0.0013%; no homozygotes.

Submissions (3):

Labcorp Genetics (formerly Invitae), Labcorp
Classification: Uncertain significance for Ataxia-telangiectasia syndrome. Last evaluated: 2024-04-03. Review status: criteria provided, single submitter. Criteria: Invitae Variant Classification Sherloc (09022015). Collection method: clinical testing. Allele origin: germline.
Comment: This sequence change replaces glutamic acid, which is acidic and polar, with lysine, which is basic and polar, at codon 2446 of the ATM protein (p.Glu2446Lys). This variant is not present in population databases (gnomAD no frequency). This variant has not been reported in the literature in individuals affected with ATM-related conditions. ClinVar contains an entry for this variant (Variation ID: 181891). An algorithm developed to predict the effect of missense changes on protein structure and function (PolyPhen-2) suggests that this variant is likely to be tolerated. In summary, the available evidence is currently insufficient to determine the role of this variant in disease. Therefore, it has been classified as a Variant of Uncertain Significance.

Ambry Genetics
Classification: Uncertain significance for Hereditary cancer-predisposing syndrome. Last evaluated: 2021-12-10. Review status: criteria provided, single submitter. Criteria: Ambry Variant Classification Scheme 2023. Collection method: clinical testing. Allele origin: germline.
Comment: The p.E2446K variant (also known as c.7336G>A), located in coding exon 49 of the ATM gene, results from a G to A substitution at nucleotide position 7336. The glutamic acid at codon 2446 is replaced by lysine, an amino acid with similar properties. This amino acid position is well conserved in available vertebrate species. In addition, the in silico prediction for this alteration is inconclusive. Since supporting evidence is limited at this time, the clinical significance of this alteration remains unclear.

GeneDx
Classification: Uncertain significance. Last evaluated: 2020-01-29. Review status: criteria provided, single submitter. Criteria: GeneDx Variant Classification Process June 2021. Collection method: clinical testing. Allele origin: germline. Affected: yes.
Comment: Not observed in large population cohorts (Lek et al., 2016); In silico analysis, which includes protein predictors and evolutionary conservation, supports that this variant does not alter protein structure/function; Has not been previously published as pathogenic or benign to our knowledge

NM_000051.4(ATM):c.7336G>A (p.Glu2446Lys)

Genes: C11orf65 (chromosome 11 open reading frame 65; minus strand), ATM (ATM serine/threonine kinase; plus strand). Cytogenetic location: 11q22.3.
Variant type: single nucleotide variant.
Coding change: c.7336G>A on transcript NM_000051.4 (MANE Select); coding-DNA position 7336, G replaced by A.
Protein change: p.Glu2446Lys; replaces glutamic acid 2446 with lysine.
Molecular consequence: missense variant. On other transcripts: intron variant (2).
Genome position (GRCh38, 1-based): chr11:108,330,242, G>A. VCF-style: chr11-108330242-G-A. GRCh37 (hg19) VCF-style: chr11-108200969-G-A.
Other names: p.E2446K:GAG>AAG; c.*38+4978C>T (NM_001351110.2); c.7336G>A, p.Glu2446Lys (NM_001351834.2); c.641-21171C>T (NM_001330368.2); short protein forms E2446K.
Identifiers: ClinVar variation 181891 (VCV000181891.15), dbSNP rs730881318, ClinGen allele CA298056.